The following is an entry in ClinVar:

ClinVar aggregate classification (germline): Uncertain significance. Review status: criteria provided, multiple submitters, no conflicts (2 of 4 stars). 2 submissions from 2 submitters: Uncertain significance (2). Last evaluated 2026-07-23.

Conditions:
Cardiomyopathy (CMYO). Also called: Cardiomyopathies. Identifiers: Orphanet 167848, MedGen C0878544, MONDO:0004994, HP:0001638. Inheritance: Various modes of inheritance.
Cardiovascular phenotype. Identifiers: MedGen CN230736.

Allele frequency attached by ClinVar (database versions not stated): gnomAD exomes below 0.00001.

Submissions (2):

Ambry Genetics
Classification: Uncertain significance for Cardiovascular phenotype. Last evaluated: 2026-07-23. Review status: criteria provided, single submitter. Criteria: Ambry Variant Classification Scheme 2023. Collection method: clinical testing. Allele origin: germline.

Color Diagnostics, LLC DBA Color Health
Classification: Uncertain significance for Cardiomyopathy. Last evaluated: 2023-12-04. Review status: criteria provided, single submitter. Criteria: ACMG Guidelines, 2015. Collection method: clinical testing. Allele origin: germline.
Comment: Variant of Uncertain Significance due to insufficient evidence: This missense variant replaces alanine with valine at codon 2054 of the DSP protein. Computational prediction tools and conservation analyses are inconclusive regarding the impact of this variant on the protein function. Computational splicing tools suggest that this variant may not impact RNA splicing. To our knowledge, functional assays have not been performed for this variant nor has this variant been reported in individuals affected with cardiovascular disorders in the literature. This variant is rare in the general population and has been identified in 0/277264 chromosomes by the Genome Aggregation Database (gnomAD). Available evidence is insufficient to determine the role of this variant in disease conclusively.

NM_004415.4(DSP):c.6161C>T (p.Ala2054Val)

Gene: DSP (desmoplakin; plus strand). Cytogenetic location: 6p24.3.
Variant type: single nucleotide variant.
Coding change: c.6161C>T on transcript NM_004415.4 (MANE Select); coding-DNA position 6161, C replaced by T.
Protein change: p.Ala2054Val; replaces alanine 2054 with valine.
Molecular consequence: missense variant.
Genome position (GRCh38, 1-based): chr6:7,583,423, C>T. VCF-style: chr6-7583423-C-T. GRCh37 (hg19) VCF-style: chr6-7583656-C-T.
Other names: c.4364C>T, p.Ala1455Val (NM_001008844.3); c.4832C>T, p.Ala1611Val (NM_001319034.2); short protein forms A2054V, A1611V, A1455V.
Identifiers: ClinVar variation 927611 (VCV000927611.6), dbSNP rs1759517621, ClinGen allele CA362690212.
Genomic context (GRCh38, chr6:7,583,423, plus strand): 5'-CCAAGAGAAAGAAATTAATCAGCCCAGAATCCACAGTCATGCTTCTGGAGGCCCAGGCAG[C>T]TACAGGTGGTATAATTGATCCCCATCGGAATGAGAAGCTGACTGTCGACAGTGCCATAGC-3'
Protein context (NP_004406.2, residues 2044-2064): STVMLLEAQA[Ala2054Val]TGGIIDPHRN